The following is an entry in ClinVar:

ClinVar aggregate classification (germline): Likely pathogenic (1 of 4 stars; one submission).

Conditions:
HYPERHOMOCYSTEINEMIA, THROMBOTIC, CBS-RELATED. Identifiers: MedGen C3150344, OMIM 236200.

Submission:

Labcorp Genetics (formerly Invitae), Labcorp
Classification: Likely pathogenic for HYPERHOMOCYSTEINEMIA, THROMBOTIC, CBS-RELATED. Last evaluated: 2022-10-10. Review status: criteria provided, single submitter. Criteria: Invitae Variant Classification Sherloc (09022015). Collection method: clinical testing. Allele origin: germline.
Comment: In summary, the currently available evidence indicates that the variant is pathogenic, but additional data are needed to prove that conclusively. Therefore, this variant has been classified as Likely Pathogenic. This variant disrupts the p.Glu176 amino acid residue in CBS. Other variant(s) that disrupt this residue have been determined to be pathogenic (PMID: 9266356, 20506325, 22267502, 22353391, 30732165). This suggests that this residue is clinically significant, and that variants that disrupt this residue are likely to be disease-causing. Advanced modeling of protein sequence and biophysical properties (such as structural, functional, and spatial information, amino acid conservation, physicochemical variation, residue mobility, and thermodynamic stability) performed at Invitae indicates that this missense variant is expected to disrupt CBS protein function. This variant has not been reported in the literature in individuals affected with CBS-related conditions. This variant is not present in population databases (gnomAD no frequency). This sequence change replaces glutamic acid, which is acidic and polar, with aspartic acid, which is acidic and polar, at codon 176 of the CBS protein (p.Glu176Asp).

Literature cited by the submitters: PubMed 9266356; PubMed 20506325; PubMed 22267502; PubMed 22353391; PubMed 30732165.

NM_000071.3(CBS):c.528G>C (p.Glu176Asp)

Gene: CBS (cystathionine beta-synthase; minus strand). Cytogenetic location: 21q22.3.
Variant type: single nucleotide variant.
Coding change: c.528G>C on transcript NM_000071.3 (MANE Select); coding-DNA position 528, G replaced by C.
Protein change: p.Glu176Asp; replaces glutamic acid 176 with aspartic acid.
Molecular consequence: missense variant.
Genome position (GRCh38, 1-based): chr21:43,065,619, C>G on the plus strand (G>C on the coding strand, the complement: CBS is on the minus strand). VCF-style: chr21-43065619-C-G. GRCh37 (hg19) VCF-style: chr21-44485729-C-G.
Other names: c.528G>C, p.Glu176Asp (NM_001178008.3, NM_001178009.3, NM_001320298.2); c.213G>C, p.Glu71Asp (NM_001321072.1); short protein forms E176D, E71D.
Identifiers: ClinVar variation 2035035 (VCV002035035.4), dbSNP rs1180993602, ClinGen allele CA410601272.